The following is an entry in ClinVar:

NM_001170629.2(CHD8):c.694C>T (p.Gln232Ter)

Gene: CHD8 (chromodomain helicase DNA binding protein 8; minus strand). Cytogenetic location: 14q11.2.
Variant type: single nucleotide variant.
Coding change: c.694C>T on transcript NM_001170629.2 (MANE Select); coding-DNA position 694, C replaced by T.
Protein change: p.Gln232Ter; replaces glutamine 232 with a stop codon.
Molecular consequence: nonsense. On other transcripts: intron variant (1).
Genome position (GRCh38, 1-based): chr14:21,430,950, G>A on the plus strand (C>T on the coding strand, the complement: CHD8 is on the minus strand). VCF-style: chr14-21430950-G-A. GRCh37 (hg19) VCF-style: chr14-21899109-G-A.
Other names: c.6+861C>T (NM_020920.4); short protein forms Q232*.
Identifiers: ClinVar variation 4685485 (VCV004685485.1).

ClinVar aggregate classification (germline): Pathogenic (1 of 4 stars; one submission).

Conditions:
Intellectual developmental disorder with autism and macrocephaly. Also called: Autism, susceptibility to, 18; CHD8-Related Neurodevelopmental Disorder with Overgrowth. Identifiers: Orphanet 642675, MedGen C3554373, MONDO:0014017, OMIM 615032.

Submission:

Imagene.me medical diagnostic laboratory, IMAGENE.ME SA
Classification: Pathogenic for Intellectual developmental disorder with autism and macrocephaly. Review status: criteria provided, single submitter. Criteria: IMAGENE.ME Variant Classification SOP 2022. Collection method: clinical testing. Allele origin: de novo. Affected: yes.
Comment: Classified according to the IMAGENE.ME variant classification SOP based on the ACMG guidelines as Pathogenic (P): PVS1 + PS2 + PM2.